The following is an entry in ClinVar:

NM_004168.4(SDHA):c.64-10G>A

Gene: SDHA (succinate dehydrogenase complex flavoprotein subunit A; plus strand). Cytogenetic location: 5p15.33.
Variant type: single nucleotide variant.
Coding change: c.64-10G>A on transcript NM_004168.4 (MANE Select); 10 bases into the intron before coding-DNA position 64, G replaced by A.
Molecular consequence: intron variant.
Genome position (GRCh38, 1-based): chr5:223,472, G>A. VCF-style: chr5-223472-G-A. GRCh37 (hg19) VCF-style: chr5-223587-G-A.
Other names: c.64-10G>A (NM_001330758.2, NM_001294332.2).
Identifiers: ClinVar variation 539698 (VCV000539698.12), dbSNP rs1553997159, ClinGen allele CA658796483.

ClinVar aggregate classification (germline): Likely benign. Review status: criteria provided, multiple submitters, no conflicts (2 of 4 stars). 2 submissions from 2 submitters: Likely benign (2). Last evaluated 2025-02-28.

Conditions:
Mitochondrial complex II deficiency, nuclear type 1. Also called: SUCCINATE CoQ REDUCTASE DEFICIENCY. Identifiers: Orphanet 3208, MedGen C5700310, MONDO:0100294, OMIM 252011.
Pheochromocytoma/paraganglioma syndrome 5. Also called: Paragangliomas 5; SDHA-Related Hereditary Paraganglioma-Pheochromocytoma Syndrome. Identifiers: Orphanet 29072, MedGen C3279992, MONDO:0013602, OMIM 614165.

Submissions (2):

Myriad Genetics, Inc.
Classification: Likely benign for Pheochromocytoma/paraganglioma syndrome 5. Last evaluated: 2025-02-28. Review status: criteria provided, single submitter. Criteria: Myriad Autosomal Dominant, Autosomal Recessive and X-Linked Classification Criteria (2023). Collection method: clinical testing. Allele origin: unknown.
Comment: This variant is considered likely benign. This variant is intronic and is not expected to impact mRNA splicing.

Labcorp Genetics (formerly Invitae), Labcorp
Classification: Likely benign for Pheochromocytoma/paraganglioma syndrome 5; Mitochondrial complex II deficiency, nuclear type 1. Last evaluated: 2024-06-18. Review status: criteria provided, single submitter. Criteria: Invitae Variant Classification Sherloc (09022015). Collection method: clinical testing. Allele origin: germline.